The following is an entry in ClinVar:

NM_001369.3(DNAH5):c.1654C>T (p.Arg552Trp)

Gene: DNAH5 (dynein axonemal heavy chain 5; minus strand). Cytogenetic location: 5p15.2.
Variant type: single nucleotide variant.
Coding change: c.1654C>T on transcript NM_001369.3 (MANE Select); coding-DNA position 1654, C replaced by T.
Protein change: p.Arg552Trp; replaces arginine 552 with tryptophan.
Molecular consequence: missense variant.
Genome position (GRCh38, 1-based): chr5:13,902,129, G>A on the plus strand (C>T on the coding strand, the complement: DNAH5 is on the minus strand). VCF-style: chr5-13902129-G-A. GRCh37 (hg19) VCF-style: chr5-13902238-G-A.
Other names: short protein forms R552W.
Identifiers: ClinVar variation 2048870 (VCV002048870.28), dbSNP rs535313247, ClinGen allele CA3204770.
Genomic context (GRCh38, chr5:13,902,129, plus strand): 5'-ACATTCTTAGAGCTTGATTTGTGTTTTGAATCTTTGCAAATGTAACATCCATGAACTTCC[G>A]CAACTCGTTCTAAAACAGAATAAAATCTGATGATGAACAATAGAATTGGGAATTTACTGT-3'
Protein context (NP_001360.1, residues 542-562): KQTNDLHNEL[Arg552Trp]KFMDVTFAKI

ClinVar aggregate classification (germline): Conflicting classifications of pathogenicity. Review status: criteria provided, conflicting classifications (1 of 4 stars). 2 submissions from 2 submitters: Uncertain significance (1); Likely benign (1). Last evaluated 2024-11-11.

Conditions:
Primary ciliary dyskinesia. Also called: Ciliary dyskinesia. Identifiers: Orphanet 244, MedGen C0008780, MONDO:0016575, HP:0012265.

Allele frequency attached by ClinVar (database versions not stated): TOPMed 0.00005; gnomAD 0.00007.
gnomAD v4.1: 23 of 1,604,974 alleles (0.0014%); highest among the groups gnomAD compares: East Asian, 0.0045%; no homozygotes.

Submissions (2):

Labcorp Genetics (formerly Invitae), Labcorp
Classification: Likely benign for Primary ciliary dyskinesia. Last evaluated: 2024-11-11. Review status: criteria provided, single submitter. Criteria: Invitae Variant Classification Sherloc (09022015). Collection method: clinical testing. Allele origin: germline.

CeGaT Center for Human Genetics Tuebingen
Classification: Uncertain significance. Last evaluated: 2023-07-01. Review status: criteria provided, single submitter. Criteria: CeGaT Center For Human Genetics Tuebingen Variant Classification Criteria Version 2. Collection method: clinical testing. Allele origin: germline. Affected: yes. Observed: 1 variant allele.
Comment: DNAH5: PM2, BP4